The following is an entry in ClinVar:

NM_001330260.2(SCN8A):c.4594A>T (p.Ile1532Phe)

Gene: SCN8A (sodium voltage-gated channel alpha subunit 8; plus strand). Cytogenetic location: 12q13.13.
Variant type: single nucleotide variant.
Coding change: c.4594A>T on transcript NM_001330260.2 (MANE Select); coding-DNA position 4594, A replaced by T.
Protein change: p.Ile1532Phe; replaces isoleucine 1532 with phenylalanine.
Molecular consequence: missense variant.
Genome position (GRCh38, 1-based): chr12:51,794,440, A>T. VCF-style: chr12-51794440-A-T. GRCh37 (hg19) VCF-style: chr12-52188224-A-T.
Other names: c.4471A>T, p.Ile1491Phe (NM_001177984.3, NM_001369788.1); c.4594A>T, p.Ile1532Phe (NM_014191.4); short protein forms I1491F, I1532F.
Identifiers: ClinVar variation 802859 (VCV000802859.1), dbSNP rs1555229496, ClinGen allele CA384878776.

ClinVar aggregate classification (germline): Conflicting classifications of pathogenicity. Review status: criteria provided, conflicting classifications (1 of 4 stars). 2 submissions from 2 submitters: Likely pathogenic (1); Uncertain significance (1). Last evaluated 2019-05-28.

Conditions:
Developmental and epileptic encephalopathy, 13 (DEE13). Also called: Developmental and Epileptic Encephalopathy (SCN8A-DEE); SCN8A-Related Epilepsy; Early infantile epileptic encephalopathy 13. Identifiers: Orphanet 442835, MedGen C3281191, MONDO:0013801, OMIM 614558.

Submissions (2):

Mendelics
Classification: Likely pathogenic for Developmental and epileptic encephalopathy, 13. Last evaluated: 2019-05-28. Review status: criteria provided, single submitter. Criteria: Mendelics Assertion Criteria 2017. Collection method: clinical testing. Allele origin: unknown.

Neuberg Centre For Genomic Medicine, NCGM
Classification: Uncertain significance for Developmental and epileptic encephalopathy, 13. Review status: criteria provided, single submitter. Criteria: ACMG Guidelines, 2015. Collection method: clinical testing. Allele origin: germline. Inheritance: Autosomal dominant inheritance. Affected: yes.
Comment: The missense variant c.4594A>T(p.Ile1532Phe) in SCN8A has been submitted to ClinVar as a Likely Pathogenic Variant, but no details are available for independent assessment. It has not been reported in affected individuals. The amino acid Ile at position 1532 is changed to a Phe changing protein sequence and it might alter its composition and physico-chemical properties. The variant is predicted to be damaging by both SIFT and PolyPhen2. The residue is conserved across species. The amino acid change p.Ile1532Phe in SCN8A is predicted as conserved by GERP++ and PhyloP across 100 vertebrates. The p.Ile1532Phe variant is novel (not in any individuals) in gnomAD Exomes and 1000 Genomes. For these reasons, this variant has been classified as Variant of Uncertain Significance.